The following is an entry in ClinVar:

ClinVar aggregate classification (germline): Uncertain significance (1 of 4 stars; one submission).

Submission:

Labcorp Genetics (formerly Invitae), Labcorp
Classification: Uncertain significance. Last evaluated: 2024-12-05. Review status: criteria provided, single submitter. Criteria: Invitae Variant Classification Sherloc (09022015). Collection method: clinical testing. Allele origin: germline.
Comment: This sequence change replaces alanine, which is neutral and non-polar, with serine, which is neutral and polar, at codon 2107 of the ATR protein (p.Ala2107Ser). This variant also falls at the last nucleotide of exon 37, which is part of the consensus splice site for this exon. This variant is not present in population databases (gnomAD no frequency). This variant has not been reported in the literature in individuals affected with ATR-related conditions. An algorithm developed to predict the effect of missense changes on protein structure and function (PolyPhen-2) suggests that this variant is likely to be tolerated. Variants that disrupt the consensus splice site are a relatively common cause of aberrant splicing (PMID: 17576681, 9536098). Algorithms developed to predict the effect of sequence changes on RNA splicing suggest that this variant may disrupt the consensus splice site. In summary, the available evidence is currently insufficient to determine the role of this variant in disease. Therefore, it has been classified as a Variant of Uncertain Significance.

Literature cited by the submitters: PubMed 17576681; PubMed 9536098.

NM_001184.4(ATR):c.6319G>T (p.Ala2107Ser)

Gene: ATR (ATR checkpoint kinase; minus strand). Cytogenetic location: 3q23.
Variant type: single nucleotide variant.
Coding change: c.6319G>T on transcript NM_001184.4 (MANE Select); coding-DNA position 6319, G replaced by T.
Protein change: p.Ala2107Ser; replaces alanine 2107 with serine.
Molecular consequence: missense variant.
Genome position (GRCh38, 1-based): chr3:142,470,086, C>A on the plus strand (G>T on the coding strand, the complement: ATR is on the minus strand). VCF-style: chr3-142470086-C-A. GRCh37 (hg19) VCF-style: chr3-142188928-C-A.
Other names: c.6127G>T, p.Ala2043Ser (NM_001354579.2); short protein forms A2043S, A2107S.
Identifiers: ClinVar variation 3624231 (VCV003624231.2).